The following is an entry in ClinVar:

NM_001031679.3(MSRB3):c.-110C>T

Gene: MSRB3 (methionine sulfoxide reductase B3; plus strand). Cytogenetic location: 12q14.3.
Variant type: single nucleotide variant.
Coding change: c.-110C>T on transcript NM_001031679.3 (MANE Select); 110 bases upstream of the start codon, C replaced by T.
Molecular consequence: 5 prime UTR variant. On other transcripts: synonymous variant (1).
Genome position (GRCh38, 1-based): chr12:65,278,807, C>T. VCF-style: chr12-65278807-C-T. GRCh37 (hg19) VCF-style: chr12-65672587-C-T.
Other names: c.-274C>T (NM_001193460.2); c.39C>T, p.Leu13= (NM_198080.4).
Identifiers: ClinVar variation 929972 (VCV000929972.39), dbSNP rs150572160, ClinGen allele CA6671334.

ClinVar aggregate classification (germline): Likely benign. Review status: criteria provided, multiple submitters, no conflicts (2 of 4 stars). 6 submissions from 6 submitters: Likely benign (5). 1 of the submissions does not count toward it. Last evaluated 2025-10-19.

Conditions:
MSRB3-related disorder. Also called: MSRB3-related condition.

Allele frequency attached by ClinVar (database versions not stated): 1000 Genomes Project 0.00020; 1000 Genomes Project 30x 0.00031; ESP Exome Variant Server 0.00031; gnomAD 0.00035 and 0.00046; gnomAD exomes 0.00036; TOPMed 0.00042; ExAC 0.00076.
gnomAD v4.1: 635 of 1,571,154 alleles (0.04%); highest among the groups gnomAD compares: Non-Finnish European, 0.051%; no homozygotes.

Submissions (6):

Labcorp Genetics (formerly Invitae), Labcorp
Classification: Likely benign. Last evaluated: 2025-10-19. Review status: criteria provided, single submitter. Criteria: Invitae Variant Classification Sherloc (09022015). Collection method: clinical testing. Allele origin: germline.

CeGaT Center for Human Genetics Tuebingen
Classification: Likely benign. Last evaluated: 2025-02-01. Review status: criteria provided, single submitter. Criteria: CeGaT Center For Human Genetics Tuebingen Variant Classification Criteria Version 2. Collection method: clinical testing. Allele origin: germline. Affected: yes. Observed: 3 variant alleles.
Comment: MSRB3: BP4, BP7

Blueprint Genetics
Classification: Likely benign. Last evaluated: 2024-09-26. Review status: criteria provided, single submitter. Criteria: ACMG Guidelines, 2015. Collection method: clinical testing. Allele origin: germline.

GeneDx
Classification: Likely benign. Last evaluated: 2021-05-21. Review status: criteria provided, single submitter. Criteria: GeneDx Variant Classification Process June 2021. Collection method: clinical testing. Allele origin: germline. Affected: yes.

Laboratory for Molecular Medicine, Mass General Brigham Personalized Medicine
Classification: Likely benign. Last evaluated: 2017-08-23. Review status: criteria provided, single submitter. Criteria: LMM Criteria. Collection method: clinical testing. Allele origin: germline. Observed: 1 variant allele.
Comment: p.Leu13Leu in exon 1 of MSRB3: This variant is not expected to have clinical significance because it does not alter an amino acid residue and is not located within the splice consensus sequence. It has been identified in 0.14% (19/13160) of European chromosomes by the Exome Aggregation Consortium (ExAC; dbSNP rs150572160).

PreventionGenetics, part of Exact Sciences
Classification: Likely benign for MSRB3-related condition. Last evaluated: 2024-07-24. Review status: no assertion criteria provided. Collection method: clinical testing. Allele origin: germline. Not counted in ClinVar's aggregate classification.
Comment: This variant is classified as likely benign based on ACMG/AMP sequence variant interpretation guidelines (Richards et al. 2015 PMID: 25741868, with internal and published modifications).